The following is an entry in ClinVar:

ClinVar aggregate classification (germline): Likely benign (0 of 4 stars; one submission).

Conditions:
BIRC6-related disorder. Also called: BIRC6-related condition.

Allele frequency attached by ClinVar (database versions not stated): ExAC 0.00004; ESP Exome Variant Server 0.00008.
gnomAD v4.1: 98 of 1,613,718 alleles (0.0061%); highest among the groups gnomAD compares: East Asian, 0.022%; no homozygotes.

Submission:

PreventionGenetics, part of Exact Sciences
Classification: Likely benign for BIRC6-related condition. Last evaluated: 2019-02-26. Review status: no assertion criteria provided. Collection method: clinical testing. Allele origin: germline.
Comment: This variant is classified as likely benign based on ACMG/AMP sequence variant interpretation guidelines (Richards et al. 2015 PMID: 25741868, with internal and published modifications).

NM_016252.4(BIRC6):c.8550C>T (p.Val2850=)

Gene: BIRC6 (baculoviral IAP repeat containing 6; plus strand). Cytogenetic location: 2p22.3.
Variant type: single nucleotide variant.
Coding change: c.8550C>T on transcript NM_016252.4 (MANE Select); coding-DNA position 8550, C replaced by T.
Protein change: p.Val2850=; no amino-acid change (valine 2850 retained).
Molecular consequence: synonymous variant.
Genome position (GRCh38, 1-based): chr2:32,499,628, C>T. VCF-style: chr2-32499628-C-T. GRCh37 (hg19) VCF-style: chr2-32724695-C-T.
Other names: c.8547C>T, p.Val2849= (NM_001378125.1).
Identifiers: ClinVar variation 3058823 (VCV003058823.2), dbSNP rs373827659, ClinGen allele CA1604368.
Genomic context (GRCh38, chr2:32,499,628, plus strand): 5'-AGGACCTCTCGATGCCCAAGTGAAGCTCTTAGAATTCACTCTGGAGCAGAATTTTGAAGT[C>T]GTTTCAGTTAGTACTATTTCTGCCGTGATAGAATCGGTTACATTTTTAGTGCACCACTAT-3'
Protein context (NP_057336.3, residues 2840-2860): LEFTLEQNFE[Val2850=]VSVSTISAVI